The following is an entry in ClinVar:

ClinVar aggregate classification (germline): Pathogenic (1 of 4 stars; one submission).

Conditions:
ADNP-related multiple congenital anomalies - intellectual disability - autism spectrum disorder. Also called: Helsmoortel-Van der Aa Syndrome; ADNP-Related Helsmoortel-Van der Aa Syndrome. Identifiers: Orphanet 404448, MedGen C4014538, MONDO:0014379, OMIM 615873. Disease mechanism: loss of function.

Submission:

Victorian Clinical Genetics Services, Murdoch Childrens Research Institute
Classification: Pathogenic for ADNP-related multiple congenital anomalies - intellectual disability - autism spectrum disorder. Last evaluated: 2022-02-02. Review status: criteria provided, single submitter. Criteria: ACMG Guidelines, 2015. Collection method: clinical testing. Allele origin: germline. Inheritance: Autosomal dominant inheritance.
Comment: Based on the classification scheme VCGS_Germline_v1.3.4, this variant is classified as Pathogenic. Following criteria are met: 0102 - Loss of function is a known mechanism of disease in this gene and is associated with Helsmoortel-van der Aa syndrome (MIM#615873) (PMID: 29911927). (I) 0107 - This gene is associated with autosomal dominant disease. (I) 0205 - Variant is predicted to result in a truncated protein (premature termination codon is NOT located at least 54 nucleotides upstream of the final exon-exon junction) with less than 1/3 of the protein sequence affected. (SP) 0251 - This variant is heterozygous. (I) 0301 - Variant is absent from gnomAD (both v2 and v3). (SP) 0701 - Other truncating variants comparable to the one identified in this case have very strong previous evidence for pathogenicity (DECIPHER). (SP) 0807 - This variant has no previous evidence of pathogenicity. (I) 0905 - No published segregation evidence has been identified for this variant. (I) 1007 - No published functional evidence has been identified for this variant. (I) 1208 - Inheritance information for this variant is not currently available in this individual. (I) Legend: (SP) - Supporting pathogenic, (I) - Information, (SB) - Supporting benign

Literature cited by the submitters: PubMed 29911927.

NM_001282531.3(ADNP):c.2483dup (p.Met828fs)

Gene: ADNP (activity dependent neuroprotector homeobox; minus strand). Cytogenetic location: 20q13.13.
Variant type: Duplication.
Coding change: c.2483dup on transcript NM_001282531.3 (MANE Select); coding-DNA position 2483, one base duplicated (T; older notation c.2483dupT).
Protein change: p.Met828fs; shifts the reading frame from methionine 828.
Molecular consequence: frameshift variant.
Genome position (GRCh38, 1-based): chr20:50,892,231, A duplicated on the plus strand (T on the coding strand, the reverse complement: ADNP is on the minus strand). VCF-style (leftmost placement, unchanged base first): chr20-50892230-C-CA. GRCh37 (hg19) VCF-style: chr20-49508767-C-CA.
Other names: c.2483dup, p.Met828fs (NM_001282532.2, NM_001347511.2, NM_015339.5 and 1 more transcripts); short protein forms M828fs.
Identifiers: ClinVar variation 1805170 (VCV001805170.1), dbSNP rs2515578092, ClinGen allele CA2573050717.